The following is an entry in ClinVar:

NM_006944.3(SPP2):c.184C>T (p.Arg62Trp)

Gene: SPP2 (secreted phosphoprotein 2; plus strand). Cytogenetic location: 2q37.1.
Variant type: single nucleotide variant.
Coding change: c.184C>T on transcript NM_006944.3 (MANE Select); coding-DNA position 184, C replaced by T.
Protein change: p.Arg62Trp; replaces arginine 62 with tryptophan.
Molecular consequence: missense variant.
Genome position (GRCh38, 1-based): chr2:234,051,069, C>T. VCF-style: chr2-234051069-C-T. GRCh37 (hg19) VCF-style: chr2-234959713-C-T.
Other names: short protein forms R62W.
Identifiers: ClinVar variation 1442543 (VCV001442543.6), dbSNP rs200722650, ClinGen allele CA2183104.

ClinVar aggregate classification (germline): Uncertain significance (1 of 4 stars; one submission).

Allele frequency attached by ClinVar (database versions not stated): gnomAD 0.00001; gnomAD exomes 0.00002; TOPMed 0.00002; ExAC 0.00003.
gnomAD v4.1: 9 of 1,613,780 alleles (0.00056%); highest among the groups gnomAD compares: African/African-American, 0.0027%; no homozygotes.

Submission:

Labcorp Genetics (formerly Invitae), Labcorp
Classification: Uncertain significance. Last evaluated: 2025-05-27. Review status: criteria provided, single submitter. Criteria: Invitae Variant Classification Sherloc (09022015). Collection method: clinical testing. Allele origin: germline.
Comment: This sequence change replaces arginine, which is basic and polar, with tryptophan, which is neutral and slightly polar, at codon 62 of the SPP2 protein (p.Arg62Trp). This variant is present in population databases (rs200722650, gnomAD 0.007%). This variant has not been reported in the literature in individuals affected with SPP2-related conditions. ClinVar contains an entry for this variant (Variation ID: 1442543). An algorithm developed to predict the effect of missense changes on protein structure and function (PolyPhen-2) suggests that this variant is likely to be disruptive. In summary, the available evidence is currently insufficient to determine the role of this variant in disease. Therefore, it has been classified as a Variant of Uncertain Significance.